The following is an entry in ClinVar:

NM_020778.5(ALPK3):c.4126G>A (p.Glu1376Lys)

Gene: ALPK3 (alpha kinase 3; plus strand). Cytogenetic location: 15q25.3.
Variant type: single nucleotide variant.
Coding change: c.4126G>A on transcript NM_020778.5 (MANE Select); coding-DNA position 4126, G replaced by A.
Protein change: p.Glu1376Lys; replaces glutamic acid 1376 with lysine.
Molecular consequence: missense variant.
Genome position (GRCh38, 1-based): chr15:84,860,069, G>A. VCF-style: chr15-84860069-G-A. GRCh37 (hg19) VCF-style: chr15-85403300-G-A.
Other names: short protein forms E1376K.
Identifiers: ClinVar variation 1742725 (VCV001742725.6), dbSNP rs1963924507, ClinGen allele CA393362293.

ClinVar aggregate classification (germline): Uncertain significance. Review status: criteria provided, multiple submitters, no conflicts (2 of 4 stars). 2 submissions from 2 submitters: Uncertain significance (2). Last evaluated 2025-05-06.

Conditions:
Cardiovascular phenotype. Identifiers: MedGen CN230736.

Submissions (2):

Ambry Genetics
Classification: Uncertain significance for Cardiovascular phenotype. Last evaluated: 2025-05-06. Review status: criteria provided, single submitter. Criteria: Ambry Variant Classification Scheme 2023. Collection method: clinical testing. Allele origin: germline.
Comment: The p.E1578K variant (also known as c.4732G>A), located in coding exon 9 of the ALPK3 gene, results from a G to A substitution at nucleotide position 4732. The glutamic acid at codon 1578 is replaced by lysine, an amino acid with similar properties. This amino acid position is well conserved in available vertebrate species. In addition, this alteration is predicted to be tolerated by in silico analysis. Based on the available evidence, the clinical significance of this variant remains unclear.

Labcorp Genetics (formerly Invitae), Labcorp
Classification: Uncertain significance. Last evaluated: 2024-10-24. Review status: criteria provided, single submitter. Criteria: Invitae Variant Classification Sherloc (09022015). Collection method: clinical testing. Allele origin: germline.
Comment: This sequence change replaces glutamic acid, which is acidic and polar, with lysine, which is basic and polar, at codon 1578 of the ALPK3 protein (p.Glu1578Lys). This variant is not present in population databases (gnomAD no frequency). This variant has not been reported in the literature in individuals affected with ALPK3-related conditions. ClinVar contains an entry for this variant (Variation ID: 1742725). Invitae Evidence Modeling of protein sequence and biophysical properties (such as structural, functional, and spatial information, amino acid conservation, physicochemical variation, residue mobility, and thermodynamic stability) indicates that this missense variant is expected to disrupt ALPK3 protein function with a positive predictive value of 80%. Algorithms developed to predict the effect of sequence changes on RNA splicing suggest that this variant may create or strengthen a splice site. In summary, the available evidence is currently insufficient to determine the role of this variant in disease. Therefore, it has been classified as a Variant of Uncertain Significance.